The following is an entry in ClinVar:

NM_001130438.3(SPTAN1):c.3579+5_3579+8del

Gene: SPTAN1 (spectrin alpha, non-erythrocytic 1; plus strand). Cytogenetic location: 9q34.11.
Variant type: Deletion.
Coding change: c.3579+5_3579+8del on transcript NM_001130438.3 (MANE Select); bases 5 to 8 of the intron after coding-DNA position 3579, 4 bases deleted (GAAC; older notation c.3579+5_3579+8delGAAC).
Molecular consequence: intron variant.
Genome position (GRCh38, 1-based): chr9:128,600,120-128,600,123, GAAC deleted. VCF-style (leftmost placement, unchanged base first): chr9-128600119-AGAAC-A. GRCh37 (hg19) VCF-style: chr9-131362398-AGAAC-A.
Other names: c.3615+5_3615+8del (NM_001375318.1, NM_001375312.2); c.3579+5_3579+8del (NM_001375310.1, NM_001363759.2, NM_001375313.1 and 2 more transcripts); c.3519+5_3519+8del (NM_001375314.2, NM_001363765.2, NM_001195532.2).
Identifiers: ClinVar variation 2962255 (VCV002962255.3), dbSNP rs2541573343, ClinGen allele CA2691933440.

ClinVar aggregate classification (germline): Uncertain significance (1 of 4 stars; one submission).

Conditions:
Early-infantile DEE. Also called: Early infantile epileptic encephalopathy with suppression bursts; Early infantile epileptic encephalopathy; Ohtahara syndrome. Identifiers: Orphanet 1934, MedGen C0393706, MONDO:0800491.

Submission:

Labcorp Genetics (formerly Invitae), Labcorp
Classification: Uncertain significance for Early-infantile DEE. Last evaluated: 2023-03-03. Review status: criteria provided, single submitter. Criteria: Invitae Variant Classification Sherloc (09022015). Collection method: clinical testing. Allele origin: germline.
Comment: In summary, the available evidence is currently insufficient to determine the role of this variant in disease. Therefore, it has been classified as a Variant of Uncertain Significance. Variants that disrupt the consensus splice site are a relatively common cause of aberrant splicing (PMID: 17576681, 9536098). Algorithms developed to predict the effect of sequence changes on RNA splicing suggest that this variant is not likely to affect RNA splicing. This variant has not been reported in the literature in individuals affected with SPTAN1-related conditions. This variant is not present in population databases (gnomAD no frequency). This sequence change falls in intron 27 of the SPTAN1 gene. It does not directly change the encoded amino acid sequence of the SPTAN1 protein. It affects a nucleotide within the consensus splice site.

Literature cited by the submitters: PubMed 17576681; PubMed 9536098.